The following is an entry in ClinVar:

ClinVar aggregate classification (germline): Uncertain significance (1 of 4 stars; one submission).

Conditions:
Hereditary cancer-predisposing syndrome. Also called: Tumor predisposition; Hereditary Cancer Syndrome; Neoplastic Syndromes, Hereditary; Hereditary neoplastic syndrome. Identifiers: Orphanet 140162, MedGen C0027672, MeSH D009386, MONDO:0015356.

Submission:

Color Diagnostics, LLC DBA Color Health
Classification: Uncertain significance for Hereditary cancer-predisposing syndrome. Last evaluated: 2025-11-03. Review status: criteria provided, single submitter. Criteria: ACMG Guidelines, 2015. Collection method: clinical testing. Allele origin: germline.
Comment: This missense variant replaces histidine with proline at codon 600 of the ATM protein. Computational prediction suggests that this variant may not impact protein structure and function. To our knowledge, functional studies have not been reported for this variant. This variant has not been reported in individuals affected with ATM-related disorders in the literature. This variant has not been identified in the general population by the Genome Aggregation Database (gnomAD). The available evidence is insufficient to determine the role of this variant in disease conclusively. Therefore, this variant is classified as a Variant of Uncertain Significance.

NM_000051.4(ATM):c.1799A>C (p.His600Pro)

Gene: ATM (ATM serine/threonine kinase; plus strand). Cytogenetic location: 11q22.3.
Variant type: single nucleotide variant.
Coding change: c.1799A>C on transcript NM_000051.4 (MANE Select); coding-DNA position 1799, A replaced by C.
Protein change: p.His600Pro; replaces histidine 600 with proline.
Molecular consequence: missense variant.
Genome position (GRCh38, 1-based): chr11:108,252,028, A>C. VCF-style: chr11-108252028-A-C. GRCh37 (hg19) VCF-style: chr11-108122755-A-C.
Other names: c.1799A>C, p.His600Pro (NM_001351834.2); short protein forms H600P.
Identifiers: ClinVar variation 4758183 (VCV004758183.1).